The following is an entry in ClinVar:

NM_181078.3(IL21R):c.1543C>A (p.Pro515Thr)

Genes: IL21R (interleukin 21 receptor; plus strand), IL21R-AS1 (IL21R antisense RNA 1; minus strand), LOC130058713 (ATAC-STARR-seq lymphoblastoid active region 10627; plus strand). Cytogenetic location: 16p12.1.
Variant type: single nucleotide variant.
Coding change: c.1543C>A on transcript NM_181078.3 (MANE Select); coding-DNA position 1543, C replaced by A.
Protein change: p.Pro515Thr; replaces proline 515 with threonine.
Molecular consequence: missense variant. On other transcripts: non-coding transcript variant (1).
Genome position (GRCh38, 1-based): chr16:27,449,209, C>A. VCF-style: chr16-27449209-C-A. GRCh37 (hg19) VCF-style: chr16-27460530-C-A.
Other names: c.1543C>A, p.Pro515Thr (NM_021798.4); c.1609C>A, p.Pro537Thr (NM_181079.5); c.1609C>A (NM_181079.4); short protein forms P515T, P537T.
Identifiers: ClinVar variation 642414 (VCV000642414.9), dbSNP rs762518345, ClinGen allele CA7975221.

ClinVar aggregate classification (germline): Uncertain significance. Review status: criteria provided, multiple submitters, no conflicts (2 of 4 stars). 3 submissions from 3 submitters: Uncertain significance (3). Last evaluated 2024-11-26.

Conditions:
Inborn genetic diseases. Identifiers: MedGen C0950123, MeSH D030342.
Cryptosporidiosis-chronic cholangitis-liver disease syndrome. Also called: IL21R immunodeficiency; Immunodeficiency type 56. Identifiers: Orphanet 357329, MedGen C3554687, MONDO:0014082, OMIM 615207.

Allele frequency attached by ClinVar (database versions not stated): gnomAD 0.00001; TOPMed 0.00001; ExAC 0.00003; gnomAD exomes 0.00004.
gnomAD v4.1: 36 of 1,612,170 alleles (0.0022%); highest among the groups gnomAD compares: Non-Finnish European, 0.0029%; no homozygotes.

Submissions (3):

Blueprint Genetics
Classification: Uncertain significance. Last evaluated: 2024-11-26. Review status: criteria provided, single submitter. Criteria: ACMG Guidelines, 2015. Collection method: clinical testing. Allele origin: germline.

Ambry Genetics
Classification: Uncertain significance for Inborn genetic diseases. Last evaluated: 2023-11-09. Review status: criteria provided, single submitter. Criteria: Ambry Variant Classification Scheme 2023. Collection method: clinical testing. Allele origin: germline.

Labcorp Genetics (formerly Invitae), Labcorp
Classification: Uncertain significance for Cryptosporidiosis-chronic cholangitis-liver disease syndrome. Last evaluated: 2023-08-17. Review status: criteria provided, single submitter. Criteria: Invitae Variant Classification Sherloc (09022015). Collection method: clinical testing. Allele origin: germline.
Comment: This sequence change replaces proline, which is neutral and non-polar, with threonine, which is neutral and polar, at codon 515 of the IL21R protein (p.Pro515Thr). This variant is present in population databases (rs762518345, gnomAD 0.008%). This variant has not been reported in the literature in individuals affected with IL21R-related conditions. ClinVar contains an entry for this variant (Variation ID: 642414). Advanced modeling of protein sequence and biophysical properties (such as structural, functional, and spatial information, amino acid conservation, physicochemical variation, residue mobility, and thermodynamic stability) performed at Invitae indicates that this missense variant is expected to disrupt IL21R protein function. In summary, the available evidence is currently insufficient to determine the role of this variant in disease. Therefore, it has been classified as a Variant of Uncertain Significance.